The following is an entry in ClinVar:

ClinVar aggregate classification (germline): Uncertain significance (1 of 4 stars; one submission).

Conditions:
Dyskeratosis congenita, autosomal dominant 6 (DKCA6). Identifiers: Orphanet 3322, MedGen C4225284, MONDO:0014690, OMIM 616553.

Submission:

Labcorp Genetics (formerly Invitae), Labcorp
Classification: Uncertain significance for Dyskeratosis congenita, autosomal dominant 6. Last evaluated: 2023-08-04. Review status: criteria provided, single submitter. Criteria: Invitae Variant Classification Sherloc (09022015). Collection method: clinical testing. Allele origin: germline.
Comment: This variant has not been reported in the literature in individuals affected with ACD-related conditions. This variant is not present in population databases (gnomAD no frequency). This sequence change replaces serine, which is neutral and polar, with asparagine, which is neutral and polar, at codon 455 of the ACD protein (p.Ser455Asn). ClinVar contains an entry for this variant (Variation ID: 2421312). In summary, the available evidence is currently insufficient to determine the role of this variant in disease. Therefore, it has been classified as a Variant of Uncertain Significance. Algorithms developed to predict the effect of sequence changes on RNA splicing suggest that this variant may create or strengthen a splice site. Advanced modeling of protein sequence and biophysical properties (such as structural, functional, and spatial information, amino acid conservation, physicochemical variation, residue mobility, and thermodynamic stability) performed at Invitae indicates that this missense variant is not expected to disrupt ACD protein function.

NM_001082486.2(ACD):c.1106G>A (p.Ser369Asn)

Gene: ACD (ACD shelterin complex subunit and telomerase recruitment factor; minus strand). Cytogenetic location: 16q22.1.
Variant type: single nucleotide variant.
Coding change: c.1106G>A on transcript NM_001082486.2 (MANE Select); coding-DNA position 1106, G replaced by A.
Protein change: p.Ser369Asn; replaces serine 369 with asparagine.
Molecular consequence: missense variant.
Genome position (GRCh38, 1-based): chr16:67,658,086, C>T on the plus strand (G>A on the coding strand, the complement: ACD is on the minus strand). VCF-style: chr16-67658086-C-T. GRCh37 (hg19) VCF-style: chr16-67691989-C-T.
Other names: c.1019G>A, p.Ser340Asn (NM_001410884.1); c.1097G>A, p.Ser366Asn (NM_022914.3); short protein forms S340N, S366N, S369N.
Identifiers: ClinVar variation 2421312 (VCV002421312.6), dbSNP rs2543598598, ClinGen allele CA396352093.